The following is an entry in ClinVar:

NM_005562.3(LAMC2):c.405-1G>A

Gene: LAMC2 (laminin subunit gamma 2; plus strand). Cytogenetic location: 1q25.3.
Variant type: single nucleotide variant.
Coding change: c.405-1G>A on transcript NM_005562.3 (MANE Select); the canonical splice acceptor site of the intron before coding-DNA position 405, G replaced by A.
Molecular consequence: splice acceptor variant.
Genome position (GRCh38, 1-based): chr1:183,218,389, G>A. VCF-style: chr1-183218389-G-A. GRCh37 (hg19) VCF-style: chr1-183187524-G-A.
Other names: IVS3, G-A, -1; c.405-1G>A (NM_018891.3).
Identifiers: ClinVar variation 14560 (VCV000014560.11), dbSNP rs1558088792, ClinGen allele CA343674955.

ClinVar aggregate classification (germline): Pathogenic. Review status: criteria provided, single submitter (1 of 4 stars). 2 submissions from 2 submitters: Pathogenic (1). 1 of the submissions does not count toward it. Last evaluated 2019-08-29.

Conditions:
Epidermolysis bullosa, junctional 3A, intermediate. Also called: EPIDERMOLYSIS BULLOSA, JUNCTIONAL 3A, GENERALIZED INTERMEDIATE; EPIDERMOLYSIS BULLOSA, JUNCTIONAL 3A, NON-HERLITZ TYPE. Identifiers: MedGen C5676938, MONDO:0030748, OMIM 619785.

Allele frequency attached by ClinVar (database versions not stated): gnomAD exomes below 0.00001.
gnomAD v4.1: 1 of 1,613,410 alleles (0.000062%); highest among the groups gnomAD compares: Non-Finnish European, 0.000085%; no homozygotes.

Submissions (2):

Labcorp Genetics (formerly Invitae), Labcorp
Classification: Pathogenic. Last evaluated: 2019-08-29. Review status: criteria provided, single submitter. Criteria: Invitae Variant Classification Sherloc (09022015). Collection method: clinical testing. Allele origin: germline.
Comment: Donor and acceptor splice site variants typically lead to a loss of protein function (PMID: 16199547), and loss-of-function variants in LAMC2 are known to be pathogenic (PMID: 11907499, 16473856). This sequence change affects an acceptor splice site in intron 3 of the LAMC2 gene. It is expected to disrupt RNA splicing and likely results in an absent or disrupted protein product. This variant is not present in population databases (ExAC no frequency). This variant has been observed in an individual affected with junctional epidermolysis bullosa (PMID: 11564184). This variant is also known as 522-1G>A in the literature. ClinVar contains an entry for this variant (Variation ID: 14560). Experimental studies have shown that this variant disrupts mRNA splicing (PMID: 11564184). For these reasons, this variant has been classified as Pathogenic.

OMIM
Classification: Pathogenic for EPIDERMOLYSIS BULLOSA, JUNCTIONAL 3A, INTERMEDIATE. Last evaluated: 2001-09-01. Review status: no assertion criteria provided. Collection method: literature only. Allele origin: germline. Not counted in ClinVar's aggregate classification.

Literature cited by the submitters: PubMed 16199547 (cited by Labcorp Genetics (formerly Invitae), Labcorp); PubMed 11907499 (cited by Labcorp Genetics (formerly Invitae), Labcorp); PubMed 16473856 (cited by Labcorp Genetics (formerly Invitae), Labcorp); PubMed 11564184 (cited by Labcorp Genetics (formerly Invitae), Labcorp and OMIM).